The following is an entry in ClinVar:

ClinVar aggregate classification (germline): Uncertain significance (1 of 4 stars; one submission).

Conditions:
Familial thoracic aortic aneurysm and aortic dissection (TAAD). Also called: Thoracic aortic aneurysms and dissections. Identifiers: Orphanet 91387, MedGen C4707243, MONDO:0019625.

Submission:

Ambry Genetics
Classification: Uncertain significance for Familial thoracic aortic aneurysm and aortic dissection. Last evaluated: 2025-08-20. Review status: criteria provided, single submitter. Criteria: Ambry Variant Classification Scheme 2023. Collection method: clinical testing. Allele origin: germline.
Comment: The p.K129N variant (also known as c.387G>T), located in coding exon 3 of the MYLK gene, results from a G to T substitution at nucleotide position 387. The lysine at codon 129 is replaced by asparagine, an amino acid with similar properties. This amino acid position is conserved. In addition, this alteration is predicted to be tolerated by in silico analysis. Based on the available evidence, the clinical significance of this variant remains unclear.

NM_053025.4(MYLK):c.387G>T (p.Lys129Asn)

Gene: MYLK (myosin light chain kinase; minus strand). Cytogenetic location: 3q21.1.
Variant type: single nucleotide variant.
Coding change: c.387G>T on transcript NM_053025.4 (MANE Select); coding-DNA position 387, G replaced by T.
Protein change: p.Lys129Asn; replaces lysine 129 with asparagine.
Molecular consequence: missense variant. On other transcripts: 5 prime UTR variant (1).
Genome position (GRCh38, 1-based): chr3:123,739,988, C>A on the plus strand (G>T on the coding strand, the complement: MYLK is on the minus strand). VCF-style: chr3-123739988-C-A. GRCh37 (hg19) VCF-style: chr3-123458835-C-A.
Other names: c.387G>T, p.Lys129Asn (NM_053028.4, NM_053026.4, NM_053027.4); c.-142G>T (NM_001321309.2); short protein forms K129N.
Identifiers: ClinVar variation 4115064 (VCV004115064.1).